The following is an entry in ClinVar:

NM_000384.3(APOB):c.448C>T (p.Pro150Ser)

Gene: APOB (apolipoprotein B; minus strand). Cytogenetic location: 2p24.1.
Variant type: single nucleotide variant.
Coding change: c.448C>T on transcript NM_000384.3 (MANE Select); coding-DNA position 448, C replaced by T.
Protein change: p.Pro150Ser; replaces proline 150 with serine.
Molecular consequence: missense variant.
Genome position (GRCh38, 1-based): chr2:21,038,047, G>A on the plus strand (C>T on the coding strand, the complement: APOB is on the minus strand). VCF-style: chr2-21038047-G-A. GRCh37 (hg19) VCF-style: chr2-21260919-G-A.
Other names: short protein forms P150S.
Identifiers: ClinVar variation 3932899 (VCV003932899.1).

ClinVar aggregate classification (germline): Uncertain significance (1 of 4 stars; one submission).

Conditions:
Cardiovascular phenotype. Identifiers: MedGen CN230736.

Submission:

Ambry Genetics
Classification: Uncertain significance for Cardiovascular phenotype. Last evaluated: 2025-04-23. Review status: criteria provided, single submitter. Criteria: Ambry Variant Classification Scheme 2023. Collection method: clinical testing. Allele origin: germline.
Comment: The p.P150S variant (also known as c.448C>T), located in coding exon 5 of the APOB gene, results from a C to T substitution at nucleotide position 448. The proline at codon 150 is replaced by serine, an amino acid with similar properties. This amino acid position is conserved. In addition, this alteration is predicted to be tolerated by in silico analysis. Based on the available evidence, the clinical significance of this variant remains unclear.